The following is an entry in ClinVar:

NM_001282225.2(ADA2):c.352A>C (p.Ile118Leu)

Gene: ADA2 (adenosine deaminase 2; minus strand). Cytogenetic location: 22q11.1.
Variant type: single nucleotide variant.
Coding change: c.352A>C on transcript NM_001282225.2 (MANE Select); coding-DNA position 352, A replaced by C.
Protein change: p.Ile118Leu; replaces isoleucine 118 with leucine.
Molecular consequence: missense variant. On other transcripts: 5 prime UTR variant (1).
Genome position (GRCh38, 1-based): chr22:17,207,261, T>G on the plus strand (A>C on the coding strand, the complement: ADA2 is on the minus strand). VCF-style: chr22-17207261-T-G. GRCh37 (hg19) VCF-style: chr22-17688151-T-G.
Other names: c.352A>C, p.Ile118Leu (NM_001282226.2); c.226A>C, p.Ile76Leu (NM_001282227.2, NM_001282228.2); c.-9A>C (NM_001282229.2); short protein forms I118L, I76L.
Identifiers: ClinVar variation 1000611 (VCV001000611.7), dbSNP rs2062364807, ClinGen allele CA410229883.

ClinVar aggregate classification (germline): Uncertain significance (1 of 4 stars; one submission).

Conditions:
Deficiency of adenosine deaminase 2. Also called: Polyarteritis nodosa, childhoood-onset; Adenosine Deaminase 2 Deficiency; VASCULITIS, AUTOINFLAMMATION, IMMUNODEFICIENCY, AND HEMATOLOGIC DEFECTS SYNDROME. Identifiers: Orphanet 404553, MedGen C3887654, MONDO:0014306, OMIM 615688, MONDO:0100317.

gnomAD v4.1: 1 of 1,609,824 alleles (0.000062%); highest among the groups gnomAD compares: Non-Finnish European, 0.000085%; no homozygotes.

Submission:

Labcorp Genetics (formerly Invitae), Labcorp
Classification: Uncertain significance for Deficiency of adenosine deaminase 2. Last evaluated: 2020-07-26. Review status: criteria provided, single submitter. Criteria: Invitae Variant Classification Sherloc (09022015). Collection method: clinical testing. Allele origin: germline.
Comment: Algorithms developed to predict the effect of missense changes on protein structure and function (SIFT, PolyPhen-2, Align-GVGD) all suggest that this variant is likely to be tolerated, but these predictions have not been confirmed by published functional studies and their clinical significance is uncertain. This sequence change replaces isoleucine with leucine at codon 118 of the ADA2 protein (p.Ile118Leu). The isoleucine residue is highly conserved and there is a small physicochemical difference between isoleucine and leucine. This variant is not present in population databases (ExAC no frequency). This variant has not been reported in the literature in individuals with ADA2-related conditions. In summary, the available evidence is currently insufficient to determine the role of this variant in disease. Therefore, it has been classified as a Variant of Uncertain Significance.